The following is an entry in ClinVar:

NM_001035.3(RYR2):c.7812G>T (p.Lys2604Asn)

Gene: RYR2 (ryanodine receptor 2; plus strand). Cytogenetic location: 1q43.
Variant type: single nucleotide variant.
Coding change: c.7812G>T on transcript NM_001035.3 (MANE Select); coding-DNA position 7812, G replaced by T.
Protein change: p.Lys2604Asn; replaces lysine 2604 with asparagine.
Molecular consequence: missense variant.
Genome position (GRCh38, 1-based): chr1:237,651,489, G>T. VCF-style: chr1-237651489-G-T. GRCh37 (hg19) VCF-style: chr1-237814789-G-T.
Other names: c.7812G>T (NM_001035.2); short protein forms K2604N.
Identifiers: ClinVar variation 3385783 (VCV003385783.4).
Genomic context (GRCh38, chr1:237,651,489, plus strand): 5'-GATGCAGCACTTACTCAGAAGATTAGTATTTGATGTTCCATTATTAAATGAACACGCAAA[G>T]ATGCCTCTTAAAGTAAGTATAGGAAATGTTTGTAGATATTTGATTACTGGCTTCTCTGAC-3'
Protein context (NP_001026.2, residues 2594-2614): FDVPLLNEHA[Lys2604Asn]MPLKLLTNHY

ClinVar aggregate classification (germline): Uncertain significance. Review status: criteria provided, multiple submitters, no conflicts (2 of 4 stars). 4 submissions from 4 submitters: Uncertain significance (4). Last evaluated 2025-12-16.

Conditions:
Cardiomyopathy (CMYO). Also called: Cardiomyopathies. Identifiers: Orphanet 167848, MedGen C0878544, MONDO:0004994, HP:0001638. Inheritance: Various modes of inheritance.
Cardiovascular phenotype. Identifiers: MedGen CN230736.
Catecholaminergic polymorphic ventricular tachycardia (CVPT). Also called: Catecholamine-induced polymorphic ventricular tachycardia. Identifiers: Orphanet 3286, MedGen C5574922, MONDO:0017990.

gnomAD v4.1: 4 of 1,562,378 alleles (0.00026%); highest among the groups gnomAD compares: Admixed American, 0.0055%; no homozygotes.

Submissions (4):

Ambry Genetics
Classification: Uncertain significance for Cardiovascular phenotype. Last evaluated: 2025-12-16. Review status: criteria provided, single submitter. Criteria: Ambry Variant Classification Scheme 2023. Collection method: clinical testing. Allele origin: germline.

Color Diagnostics, LLC DBA Color Health
Classification: Uncertain significance for Cardiomyopathy. Last evaluated: 2025-10-27. Review status: criteria provided, single submitter. Criteria: ACMG Guidelines, 2015. Collection method: clinical testing. Allele origin: germline.
Comment: This missense variant replaces lysine with asparagine at codon 2604 of the RYR2 protein. Computational prediction is inconclusive regarding the impact of this variant on protein structure and function. To our knowledge, functional studies have not been reported for this variant. This variant has not been reported in individuals affected with RYR2-related disorders in the literature. This variant has been identified in 4/1562378 chromosomes in the general population by the Genome Aggregation Database (gnomAD). The available evidence is insufficient to determine the role of this variant in disease conclusively. Therefore, this variant is classified as a Variant of Uncertain Significance.

GeneDx
Classification: Uncertain significance. Last evaluated: 2025-06-01. Review status: criteria provided, single submitter. Criteria: GeneDx Variant Classification Process June 2021. Collection method: clinical testing. Allele origin: germline. Affected: yes.
Comment: Not observed at significant frequency in large population cohorts (gnomAD); In silico analysis supports that this missense variant has a deleterious effect on protein structure/function; Has not been previously published as pathogenic or benign to our knowledge; Not located in one of the three hot-spot regions of the RYR2 gene, where the majority of pathogenic missense variants occur (PMID: 19926015); This variant is associated with the following publications: (PMID: 19926015)

All of Us Research Program, National Institutes of Health
Classification: Uncertain significance for Catecholaminergic polymorphic ventricular tachycardia. Last evaluated: 2024-03-05. Review status: criteria provided, single submitter. Criteria: ACMG Guidelines, 2015. Collection method: clinical testing. Allele origin: germline. Inheritance: Autosomal dominant inheritance. Observed: 1 variant allele, 1 heterozygote.
Comment: This study involves interpretation of variants in research participants for the purpose of population health screening. Participant phenotype was not available at the time of variant classification. Additional details can be found in publication PMID: 35346344, PMCID: PMC8962531